The following is an entry in ClinVar:

NM_015896.4(ZMYND10):c.1171C>T (p.Arg391Trp)

Gene: ZMYND10 (zinc finger MYND-type containing 10; minus strand). Cytogenetic location: 3p21.31.
Variant type: single nucleotide variant.
Coding change: c.1171C>T on transcript NM_015896.4 (MANE Select); coding-DNA position 1171, C replaced by T.
Protein change: p.Arg391Trp; replaces arginine 391 with tryptophan.
Molecular consequence: missense variant.
Genome position (GRCh38, 1-based): chr3:50,341,650, G>A on the plus strand (C>T on the coding strand, the complement: ZMYND10 is on the minus strand). VCF-style: chr3-50341650-G-A. GRCh37 (hg19) VCF-style: chr3-50379081-G-A.
Other names: c.1156C>T, p.Arg386Trp (NM_001308379.2); short protein forms R391W, R386W.
Identifiers: ClinVar variation 574473 (VCV000574473.16), dbSNP rs150467144, ClinGen allele CA2416961.

ClinVar aggregate classification (germline): Uncertain significance. Review status: criteria provided, multiple submitters, no conflicts (2 of 4 stars). 3 submissions from 3 submitters: Uncertain significance (3). Last evaluated 2023-11-29.

Conditions:
Primary ciliary dyskinesia 22. Also called: CILIARY DYSKINESIA, PRIMARY, 22, WITH OR WITHOUT SITUS INVERSUS. Identifiers: Orphanet 244, MedGen C3809543, MONDO:0014192, OMIM 615444.
Primary ciliary dyskinesia. Also called: Ciliary dyskinesia. Identifiers: Orphanet 244, MedGen C0008780, MONDO:0016575, HP:0012265.

Allele frequency attached by ClinVar (database versions not stated): ExAC 0.00007; gnomAD 0.00011; gnomAD exomes 0.00013 and 0.00014; TOPMed 0.00014; ESP Exome Variant Server 0.00046.
gnomAD v4.1: 205 of 1,614,122 alleles (0.013%); highest among the groups gnomAD compares: Middle Eastern, 0.016%; no homozygotes.

Submissions (3):

Blueprint Genetics
Classification: Uncertain significance. Last evaluated: 2023-11-29. Review status: criteria provided, single submitter. Criteria: ACMG Guidelines, 2015. Collection method: clinical testing. Allele origin: germline.

Fulgent Genetics
Classification: Uncertain significance for Primary ciliary dyskinesia 22. Last evaluated: 2022-03-19. Review status: criteria provided, single submitter. Criteria: ACMG Guidelines, 2015. Collection method: clinical testing. Allele origin: unknown.

Labcorp Genetics (formerly Invitae), Labcorp
Classification: Uncertain significance for Primary ciliary dyskinesia. Last evaluated: 2021-09-01. Review status: criteria provided, single submitter. Criteria: Invitae Variant Classification Sherloc (09022015). Collection method: clinical testing. Allele origin: germline.
Comment: This sequence change replaces arginine with tryptophan at codon 391 of the ZMYND10 protein (p.Arg391Trp). The arginine residue is weakly conserved and there is a moderate physicochemical difference between arginine and tryptophan. This variant is present in population databases (rs150467144, ExAC 0.01%). This variant has not been reported in the literature in individuals affected with ZMYND10-related conditions. Algorithms developed to predict the effect of missense changes on protein structure and function are either unavailable or do not agree on the potential impact of this missense change (SIFT: "Deleterious"; PolyPhen-2: "Benign"; Align-GVGD: "Class C15"). In summary, the available evidence is currently insufficient to determine the role of this variant in disease. Therefore, it has been classified as a Variant of Uncertain Significance.